The following is an entry in ClinVar:

ClinVar aggregate classification (germline): Conflicting classifications of pathogenicity. Review status: criteria provided, conflicting classifications (1 of 4 stars). 2 submissions from 2 submitters: Uncertain significance (1); Likely benign (1). Last evaluated 2024-09-10.

Conditions:
Inborn genetic diseases. Identifiers: MedGen C0950123, MeSH D030342.

gnomAD v4.1: 34 of 1,613,182 alleles (0.0021%); highest among the groups gnomAD compares: South Asian, 0.0055%; no homozygotes.

Submissions (2):

Ambry Genetics
Classification: Likely benign for Inborn genetic diseases. Last evaluated: 2024-09-10. Review status: criteria provided, single submitter. Criteria: Ambry Variant Classification Scheme 2023. Collection method: clinical testing. Allele origin: germline.

CeGaT Center for Human Genetics Tuebingen
Classification: Uncertain significance. Last evaluated: 2023-01-01. Review status: criteria provided, single submitter. Criteria: CeGaT Center For Human Genetics Tuebingen Variant Classification Criteria Version 2. Collection method: clinical testing. Allele origin: germline. Affected: yes. Observed: 1 variant allele.
Comment: FLG: PM2, BP4

NM_002016.2(FLG):c.11464G>A (p.Gly3822Ser)

Genes: CCDST (cervical cancer associated DHX9 suppressive transcript; plus strand), FLG (filaggrin; minus strand). Cytogenetic location: 1q21.3.
Variant type: single nucleotide variant.
Coding change: c.11464G>A on transcript NM_002016.2 (MANE Select); coding-DNA position 11464, G replaced by A.
Protein change: p.Gly3822Ser; replaces glycine 3822 with serine.
Molecular consequence: missense variant.
Genome position (GRCh38, 1-based): chr1:152,303,422, C>T on the plus strand (G>A on the coding strand, the complement: FLG is on the minus strand). VCF-style: chr1-152303422-C-T. GRCh37 (hg19) VCF-style: chr1-152275898-C-T.
Other names: short protein forms G3822S.
Identifiers: ClinVar variation 2498414 (VCV002498414.29), dbSNP rs199565469, ClinGen allele CA1102898.